The following is an entry in ClinVar:

ClinVar aggregate classification (germline): Pathogenic. Review status: criteria provided, multiple submitters, no conflicts (2 of 4 stars). 2 submissions from 2 submitters: Pathogenic (2). Last evaluated 2023-06-07.

Conditions:
Baller-Gerold syndrome (BGS). Also called: CRANIOSYNOSTOSIS WITH RADIAL DEFECTS. Identifiers: Orphanet 1225, MedGen C0265308, MONDO:0009039, OMIM 218600.

Submissions (2):

Labcorp Genetics (formerly Invitae), Labcorp
Classification: Pathogenic for Baller-Gerold syndrome. Last evaluated: 2023-06-07. Review status: criteria provided, single submitter. Criteria: Invitae Variant Classification Sherloc (09022015). Collection method: clinical testing. Allele origin: germline.
Comment: For these reasons, this variant has been classified as Pathogenic. ClinVar contains an entry for this variant (Variation ID: 280459). This variant has not been reported in the literature in individuals affected with RECQL4-related conditions. This variant is not present in population databases (gnomAD no frequency). This sequence change creates a premature translational stop signal (p.Ala368Hisfs*38) in the RECQL4 gene. It is expected to result in an absent or disrupted protein product. Loss-of-function variants in RECQL4 are known to be pathogenic (PMID: 12734318, 12952869).

GeneDx
Classification: Pathogenic. Last evaluated: 2016-03-28. Review status: criteria provided, single submitter. Criteria: GeneDx Variant Classification (06012015). Collection method: clinical testing. Allele origin: germline. Affected: yes.
Comment: The c.1102delG pathogenic variant in the RECQL4 gene has not been reported previously as a pathogenic variant nor as a benign variant, to our knowledge. The c.1102delG variant causes a frameshift starting with codon Alanine 368, changes this amino acid to a Histidine residue, and creates a premature Stop codon at position 38 of the new reading frame, denoted p.Ala368HisfsX38. This variant is predicted to cause loss of normal protein function either through protein truncation or nonsense-mediated mRNA decay. The c.1102delG variant was not observed in approximately 6,300 individuals of European and African American ancestry in the NHLBI Exome Sequencing Project, indicating it is not a common benign variant in these populations. We interpret c.1102delG as a pathogenic variant.

Literature cited by the submitters: PubMed 12734318 (cited by Labcorp Genetics (formerly Invitae), Labcorp); PubMed 12952869 (cited by Labcorp Genetics (formerly Invitae), Labcorp).

NM_004260.4(RECQL4):c.1102del (p.Ala368fs)

Gene: RECQL4 (RecQ like helicase 4; minus strand). Cytogenetic location: 8q24.3.
Variant type: Deletion.
Coding change: c.1102del on transcript NM_004260.4 (MANE Select); coding-DNA position 1102, one base deleted (G; older notation c.1102delG).
Protein change: p.Ala368fs; shifts the reading frame from alanine 368.
Molecular consequence: frameshift variant.
Genome position (GRCh38, 1-based): chr8:144,516,017, C deleted on the plus strand (G on the coding strand, the reverse complement: RECQL4 is on the minus strand); the first of 3 consecutive C bases (chr8:144,516,017-144,516,019); deleting any one gives the same sequence. VCF-style (leftmost placement, unchanged base first): chr8-144516016-GC-G. GRCh37 (hg19) VCF-style: chr8-145741400-GC-G.
Other names: c.1102delG (NM_004260.3); short protein forms A368fs.
Identifiers: ClinVar variation 280459 (VCV000280459.5), dbSNP rs886041662, ClinGen allele CA10603050.